The following is an entry in ClinVar:

NM_006343.3(MERTK):c.2194C>T (p.Arg732Ter)

Gene: MERTK (MER proto-oncogene, tyrosine kinase; plus strand). Cytogenetic location: 2q13.
Variant type: single nucleotide variant.
Coding change: c.2194C>T on transcript NM_006343.3 (MANE Select); coding-DNA position 2194, C replaced by T.
Protein change: p.Arg732Ter; replaces arginine 732 with a stop codon.
Molecular consequence: nonsense.
Genome position (GRCh38, 1-based): chr2:112,021,426, C>T. VCF-style: chr2-112021426-C-T. GRCh37 (hg19) VCF-style: chr2-112779003-C-T.
Other names: NP_006334.2:p.(Arg732Ter); short protein forms R732*.
Identifiers: ClinVar variation 1723184 (VCV001723184.5), dbSNP rs890258715, ClinGen allele CA53591319.

ClinVar aggregate classification (germline): Pathogenic. Review status: criteria provided, multiple submitters, no conflicts (2 of 4 stars). 3 submissions from 3 submitters: Pathogenic (2). 1 of the submissions does not count toward it. Last evaluated 2024-05-27.

Conditions:
MERTK-related disorder. Also called: MERTK-related condition.
Retinal dystrophy. Also called: Inherited retinal dystrophy. Identifiers: Orphanet 71862, MedGen C0854723, MeSH D058499, MONDO:0019118, HP:0000556.
Autosomal recessive retinitis pigmentosa. Identifiers: MedGen C0339526.

Allele frequency attached by ClinVar (database versions not stated): TOPMed below 0.00001.
gnomAD v4.1: 4 of 1,613,078 alleles (0.00025%); highest among the groups gnomAD compares: South Asian, 0.0033%; no homozygotes.

Submissions (3):

Ophthalmic Genetics Group, Institute of Molecular and Clinical Ophthalmology Basel
Classification: Pathogenic for Retinal dystrophy. Last evaluated: 2024-05-27. Review status: criteria provided, single submitter. Criteria: ACMG Guidelines, 2015. Collection method: research. Allele origin: germline. Affected: yes. Observed: 2 variant alleles.
Comment: This variant was classified as Pathogenic based on ACMG criteria: PVS1_strong, PM2_sup and PP5_sup

Blueprint Genetics
Classification: Pathogenic for MERTK-related disorders. Last evaluated: 2023-08-15. Review status: criteria provided, single submitter. Criteria: ACMG Guidelines, 2015. Collection method: clinical testing. Allele origin: germline. Affected: yes. Observed: 4 variant alleles.

Department of Biotechnology and Genetic Engineering, Kohat University of Science and Technology
Classification: Likely pathogenic for Autosomal Recessive Retinitis Pigmentosa. Last evaluated: 2022-08-22. Review status: no assertion criteria provided. Collection method: research. Allele origin: inherited. Inheritance: Autosomal recessive inheritance. Affected: yes. Observed: 10 variant alleles, 4 heterozygotes, 6 homozygotes. Not counted in ClinVar's aggregate classification.

Literature cited by the submitters: PubMed 22581970 (cited by Ophthalmic Genetics Group, Institute of Molecular and Clinical Ophthalmology Basel); PubMed 40180963 (cited by Ophthalmic Genetics Group, Institute of Molecular and Clinical Ophthalmology Basel).